The following is an entry in ClinVar:

ClinVar aggregate classification (germline): Uncertain significance. Review status: criteria provided, multiple submitters, no conflicts (2 of 4 stars). 2 submissions from 2 submitters: Uncertain significance (2). Last evaluated 2025-06-17.

Allele frequency attached by ClinVar (database versions not stated): gnomAD exomes 0.00001.
gnomAD v4.1: 5 of 1,612,934 alleles (0.00031%); highest among the groups gnomAD compares: Admixed American, 0.005%; no homozygotes.

Submissions (2):

Labcorp Genetics (formerly Invitae), Labcorp
Classification: Uncertain significance. Last evaluated: 2025-06-17. Review status: criteria provided, single submitter. Criteria: Invitae Variant Classification Sherloc (09022015). Collection method: clinical testing. Allele origin: germline.
Comment: This sequence change replaces proline, which is neutral and non-polar, with serine, which is neutral and polar, at codon 561 of the COL9A3 protein (p.Pro561Ser). This variant is present in population databases (rs756782482, gnomAD 0.009%). This variant has not been reported in the literature in individuals affected with COL9A3-related conditions. ClinVar contains an entry for this variant (Variation ID: 2440501). Invitae Evidence Modeling of protein sequence and biophysical properties (such as structural, functional, and spatial information, amino acid conservation, physicochemical variation, residue mobility, and thermodynamic stability) indicates that this missense variant is not expected to disrupt COL9A3 protein function with a negative predictive value of 95%. In summary, the available evidence is currently insufficient to determine the role of this variant in disease. Therefore, it has been classified as a Variant of Uncertain Significance.

Revvity Omics, Revvity
Classification: Uncertain significance. Last evaluated: 2021-08-26. Review status: criteria provided, single submitter. Criteria: ACMG Guidelines, 2015. Collection method: clinical testing. Allele origin: germline.

NM_001853.4(COL9A3):c.1681C>T (p.Pro561Ser)

Gene: COL9A3 (collagen type IX alpha 3 chain; plus strand). Cytogenetic location: 20q13.33.
Variant type: single nucleotide variant.
Coding change: c.1681C>T on transcript NM_001853.4 (MANE Select); coding-DNA position 1681, C replaced by T.
Protein change: p.Pro561Ser; replaces proline 561 with serine.
Molecular consequence: missense variant.
Genome position (GRCh38, 1-based): chr20:62,837,160, C>T. VCF-style: chr20-62837160-C-T. GRCh37 (hg19) VCF-style: chr20-61468512-C-T.
Other names: short protein forms P561S.
Identifiers: ClinVar variation 2440501 (VCV002440501.4), dbSNP rs756782482, ClinGen allele CA9950150.